The following is an entry in ClinVar:

NM_152594.3(SPRED1):c.302T>C (p.Leu101Pro)

Gene: SPRED1 (sprouty related EVH1 domain containing 1; plus strand). Cytogenetic location: 15q14.
Variant type: single nucleotide variant.
Coding change: c.302T>C on transcript NM_152594.3 (MANE Select); coding-DNA position 302, T replaced by C.
Protein change: p.Leu101Pro; replaces leucine 101 with proline.
Molecular consequence: missense variant.
Genome position (GRCh38, 1-based): chr15:38,322,335, T>C. VCF-style: chr15-38322335-T-C. GRCh37 (hg19) VCF-style: chr15-38614536-T-C.
Other names: short protein forms L101P.
Identifiers: ClinVar variation 644593 (VCV000644593.10), dbSNP rs1595746820, ClinGen allele CA391932102.

ClinVar aggregate classification (germline): Uncertain significance. Review status: criteria provided, multiple submitters, no conflicts (2 of 4 stars). 2 submissions from 2 submitters: Uncertain significance (2). Last evaluated 2022-02-11.

Conditions:
Legius syndrome. Identifiers: Orphanet 137605, MedGen C1969623, MONDO:0012669, OMIM 611431. Disease mechanism: loss of function.

Submissions (2):

GeneDx
Classification: Uncertain significance. Last evaluated: 2022-02-11. Review status: criteria provided, single submitter. Criteria: GeneDx Variant Classification Process June 2021. Collection method: clinical testing. Allele origin: germline. Affected: yes.
Comment: Not observed at significant frequency in large population cohorts (gnomAD); In silico analysis supports that this missense variant has a deleterious effect on protein structure/function; Has not been previously published as pathogenic or benign to our knowledge

Labcorp Genetics (formerly Invitae), Labcorp
Classification: Uncertain significance for Legius syndrome. Last evaluated: 2018-09-10. Review status: criteria provided, single submitter. Criteria: Invitae Variant Classification Sherloc (09022015). Collection method: clinical testing. Allele origin: germline.
Comment: In summary, the available evidence is currently insufficient to determine the role of this variant in disease. Therefore, it has been classified as a Variant of Uncertain Significance. Algorithms developed to predict the effect of missense changes on protein structure and function (SIFT, PolyPhen-2, Align-GVGD) all suggest that this variant is likely to be disruptive, but these predictions have not been confirmed by published functional studies and their clinical significance is uncertain. This variant has not been reported in the literature in individuals with SPRED1-related disease. This variant is not present in population databases (ExAC no frequency). This sequence change replaces leucine with proline at codon 101 of the SPRED1 protein (p.Leu101Pro). The leucine residue is highly conserved and there is a moderate physicochemical difference between leucine and proline.